The following is an entry in ClinVar:

NM_021927.3(GUF1):c.979G>C (p.Asp327His)

Gene: GUF1 (GTP binding elongation factor GUF1; plus strand). Cytogenetic location: 4p12.
Variant type: single nucleotide variant.
Coding change: c.979G>C on transcript NM_021927.3 (MANE Select); coding-DNA position 979, G replaced by C.
Protein change: p.Asp327His; replaces aspartic acid 327 with histidine.
Molecular consequence: missense variant.
Genome position (GRCh38, 1-based): chr4:44,688,047, G>C. VCF-style: chr4-44688047-G-C. GRCh37 (hg19) VCF-style: chr4-44690064-G-C.
Other names: c.7G>C, p.Asp3His (NM_001345867.2, NM_001345869.2); c.979G>C, p.Asp327His (NM_001345868.2); short protein forms D327H, D3H.
Identifiers: ClinVar variation 2087828 (VCV002087828.4), dbSNP rs2545500679, ClinGen allele CA356762762.

ClinVar aggregate classification (germline): Uncertain significance (1 of 4 stars; one submission).

Submission:

Labcorp Genetics (formerly Invitae), Labcorp
Classification: Uncertain significance. Last evaluated: 2022-01-18. Review status: criteria provided, single submitter. Criteria: Invitae Variant Classification Sherloc (09022015). Collection method: clinical testing. Allele origin: germline.
Comment: This sequence change replaces aspartic acid, which is acidic and polar, with histidine, which is basic and polar, at codon 327 of the GUF1 protein (p.Asp327His). This variant is not present in population databases (gnomAD no frequency). This variant has not been reported in the literature in individuals affected with GUF1-related conditions. Algorithms developed to predict the effect of missense changes on protein structure and function are either unavailable or do not agree on the potential impact of this missense change (SIFT: "Deleterious"; PolyPhen-2: "Possibly Damaging"; Align-GVGD: "Class C0"). In summary, the available evidence is currently insufficient to determine the role of this variant in disease. Therefore, it has been classified as a Variant of Uncertain Significance.